The following is an entry in ClinVar:

ClinVar aggregate classification (germline): Likely pathogenic (0 of 4 stars; one submission).

Conditions:
EXT1-related disorder. Also called: EXT1-related condition.

Submission:

PreventionGenetics, part of Exact Sciences
Classification: Likely pathogenic for EXT1-related condition. Last evaluated: 2024-06-10. Review status: no assertion criteria provided. Collection method: clinical testing. Allele origin: germline.
Comment: The EXT1 c.1023G>T variant is predicted to result in the amino acid substitution p.Arg341Ser. To our knowledge, this variant has not been reported in the literature or in a large population database, indicating this variant is rare. An alternate nucleotide change resulting in the same missense substitution (c.1023G>C, p.Arg341Ser) has been reported in an individual with multiple osteochondromas (Kang et al. 2012. PubMed ID: 22820392). In addition, a different missense substitution at the same position (p.Arg341Gly) has also been reported in individuals with multiple osteochondromas (Table S1, Jennes et al. 2009. PubMed ID: 19810120; Sarrión et al. 2013. PubMed ID: 23439489; Al-Zayed et al. 2021. PubMed ID: 33632255; reported as de novo in Güneş et al. 2023. PubMed ID: 37317574). In summary, the c.1023G>T (p.Arg341Ser) variant is interpreted as likely pathogenic.

NM_000127.3(EXT1):c.1023G>T (p.Arg341Ser)

Gene: EXT1 (exostosin glycosyltransferase 1; minus strand). Cytogenetic location: 8q24.11.
Variant type: single nucleotide variant.
Coding change: c.1023G>T on transcript NM_000127.3 (MANE Select); coding-DNA position 1023, G replaced by T.
Protein change: p.Arg341Ser; replaces arginine 341 with serine.
Molecular consequence: missense variant.
Genome position (GRCh38, 1-based): chr8:117,837,141, C>A on the plus strand (G>T on the coding strand, the complement: EXT1 is on the minus strand). VCF-style: chr8-117837141-C-A. GRCh37 (hg19) VCF-style: chr8-118849380-C-A.
Other names: short protein forms R341S.
Identifiers: ClinVar variation 3344329 (VCV003344329.1).